The following is an entry in ClinVar:

NM_002528.7(NTHL1):c.-7G>C

Gene: NTHL1 (nth like DNA glycosylase 1; minus strand). Cytogenetic location: 16p13.3.
Variant type: single nucleotide variant.
Coding change: c.-7G>C on transcript NM_002528.7 (MANE Select); 7 bases upstream of the start codon, G replaced by C.
Molecular consequence: 5 prime UTR variant.
Genome position (GRCh38, 1-based): chr16:2,047,830, C>G on the plus strand (G>C on the coding strand, the complement: NTHL1 is on the minus strand). VCF-style: chr16-2047830-C-G. GRCh37 (hg19) VCF-style: chr16-2097831-C-G.
Other names: c.-7G>C (NM_001318193.2); c.-185G>C (NM_001318194.2).
Identifiers: ClinVar variation 3222661 (VCV003222661.1), dbSNP rs2084532028, ClinGen allele CA394298809.

ClinVar aggregate classification (germline): Uncertain significance (1 of 4 stars; one submission).

Conditions:
Hereditary cancer-predisposing syndrome. Also called: Tumor predisposition; Hereditary neoplastic syndrome; Hereditary Cancer Syndrome; Neoplastic Syndromes, Hereditary. Identifiers: Orphanet 140162, MedGen C0027672, MeSH D009386, MONDO:0015356.

Submission:

Ambry Genetics
Classification: Uncertain significance for Hereditary cancer-predisposing syndrome. Last evaluated: 2024-01-14. Review status: criteria provided, single submitter. Criteria: Ambry Variant Classification Scheme 2023. Collection method: clinical testing. Allele origin: germline.
Comment: The p.E6D variant (also known as c.18G>C), located in coding exon 1 of the NTHL1 gene, results from a G to C substitution at nucleotide position 18. The glutamic acid at codon 6 is replaced by aspartic acid, an amino acid with highly similar properties. This amino acid position is conserved. In addition, this alteration is predicted to be tolerated by in silico analysis. Since supporting evidence is limited at this time, the clinical significance of this alteration remains unclear.